The following is an entry in ClinVar:

NM_000038.6(APC):c.1972_1973delinsAT (p.Glu658Met)

Gene: APC (APC regulator of Wnt signaling pathway; plus strand). Cytogenetic location: 5q22.2.
Variant type: Indel.
Coding change: c.1972_1973delinsAT on transcript NM_000038.6 (MANE Select); coding-DNA positions 1972 to 1973, GA replaced by AT.
Protein change: p.Glu658Met; replaces glutamic acid 658 with methionine.
Molecular consequence: missense variant.
Genome position (GRCh38, 1-based): chr5:112,837,566-112,837,567, GA replaced by AT. VCF-style: chr5-112837566-GA-AT. GRCh37 (hg19) VCF-style: chr5-112173263-GA-AT.
Other names: c.1972_1973delGAinsAT (NM_000038.5); c.1972_1973delinsAT, p.Glu658Met (NM_001127510.3, NM_001354895.2); c.1918_1919delinsAT, p.Glu640Met (NM_001127511.3); c.2026_2027delinsAT, p.Glu676Met (NM_001354896.2); c.2002_2003delinsAT, p.Glu668Met (NM_001354897.2); c.1897_1898delinsAT, p.Glu633Met (NM_001354898.2); c.1888_1889delinsAT, p.Glu630Met (NM_001354899.2); c.1849_1850delinsAT, p.Glu617Met (NM_001354900.2); and 6 more; short protein forms E498M, E532M, E617M, E630M, E633M, E668M, E375M, E567M.
Identifiers: ClinVar variation 853601 (VCV000853601.19), dbSNP rs1765077325, ClinGen allele CA913188181.
Genomic context (GRCh38, chr5:112,837,566, plus strand): 5'-CATACACATTGTGACCTTAATTTTGTGATCTCTTGATTTTATTTCAGGCAAATCCTAAGA[GA>AT]GAACAACTGTCTACAAACTTTATTACAACACTTAAAATCTCATAGTTTGACAATAGTCAG-3'
Protein context (NP_000029.2, residues 648-668): TNEDHRQILR[Glu658Met]NNCLQTLLQH

ClinVar aggregate classification (germline): Uncertain significance. Review status: criteria provided, multiple submitters, no conflicts (2 of 4 stars). 5 submissions from 5 submitters: Uncertain significance (5). Last evaluated 2026-03-30.

Conditions:
Familial adenomatous polyposis 1 (FAP1). Also called: POLYPOSIS, ADENOMATOUS INTESTINAL; FAMILIAL ADENOMATOUS POLYPOSIS 1, ATTENUATED. Identifiers: MedGen C2713442, MONDO:0021056, OMIM 175100. Disease mechanism: loss of function.
Hereditary cancer-predisposing syndrome. Also called: Neoplastic Syndromes, Hereditary; Hereditary neoplastic syndrome; Tumor predisposition; Hereditary Cancer Syndrome. Identifiers: Orphanet 140162, MedGen C0027672, MeSH D009386, MONDO:0015356.

Submissions (5):

GeneDx
Classification: Uncertain significance. Last evaluated: 2026-03-30. Review status: criteria provided, single submitter. Criteria: GeneDx Variant Classification Process June 2021. Collection method: clinical testing. Allele origin: germline.
Comment: Not observed at significant frequency in large population cohorts (gnomAD); In silico analysis supports a deleterious effect on protein structure/function; Has not been previously published as pathogenic or benign to our knowledge; This variant is associated with the following publications: (PMID: 18199528, 27535533)

Ambry Genetics
Classification: Uncertain significance for Hereditary cancer-predisposing syndrome. Last evaluated: 2025-09-18. Review status: criteria provided, single submitter. Criteria: Ambry Variant Classification Scheme 2023. Collection method: clinical testing. Allele origin: germline.
Comment: The c.1972_1973delGAinsAT variant (also known as p.E658M), located in coding exon 15 of the APC gene, results from an in-frame deletion of GA and insertion of AT at nucleotide positions 1972 to 1973. This results in the substitution of the glutamic acid residue for a methionine residue at codon 658, an amino acid with dissimilar properties. This amino acid position is well conserved in available vertebrate species. In addition, in silico predictors for this gene do not accurately predict pathogenicity. Based on the available evidence, the clinical significance of this variant remains unclear.

Labcorp Genetics (formerly Invitae), Labcorp
Classification: Uncertain significance for Familial adenomatous polyposis 1. Last evaluated: 2025-07-08. Review status: criteria provided, single submitter. Criteria: Invitae Variant Classification Sherloc (09022015). Collection method: clinical testing. Allele origin: germline.
Comment: This sequence change replaces glutamic acid, which is acidic and polar, with methionine, which is neutral and non-polar, at codon 658 of the APC protein (p.Glu658Met). This variant is present in population databases (no rsID available, gnomAD 0.0004%). This variant has not been reported in the literature in individuals affected with APC-related conditions. ClinVar contains an entry for this variant (Variation ID: 853601). An algorithm developed to predict the effect of missense changes on protein structure and function (PolyPhen-2) suggests that this variant is likely to be tolerated. In summary, the available evidence is currently insufficient to determine the role of this variant in disease. Therefore, it has been classified as a Variant of Uncertain Significance.

Baylor Genetics
Classification: Uncertain significance for Familial adenomatous polyposis 1. Last evaluated: 2024-02-28. Review status: criteria provided, single submitter. Criteria: ACMG Guidelines, 2015. Collection method: clinical testing. Allele origin: unknown.

Color Diagnostics, LLC DBA Color Health
Classification: Uncertain significance for Hereditary cancer-predisposing syndrome. Last evaluated: 2023-12-05. Review status: criteria provided, single submitter. Criteria: ACMG Guidelines, 2015. Collection method: clinical testing. Allele origin: germline.
Comment: This missense variant replaces glutamic acid with methionine at codon 658 of the APC protein. To our knowledge, functional studies have not been reported for this variant. This variant has not been reported in individuals affected with APC-related disorders in the literature. This variant has not been identified in the general population by the Genome Aggregation Database (gnomAD). The available evidence is insufficient to determine the role of this variant in disease conclusively. Therefore, this variant is classified as a Variant of Uncertain Significance.